The following is an entry in ClinVar:

ClinVar aggregate classification (germline): Pathogenic (1 of 4 stars; one submission).

Conditions:
Mowat-Wilson syndrome (MOWS). Also called: Classic Mowat-Wilson Syndrome. Identifiers: Orphanet 2152, MedGen C1856113, MONDO:0009341, OMIM 235730.

Submission:

Labcorp Genetics (formerly Invitae), Labcorp
Classification: Pathogenic for Mowat-Wilson syndrome. Last evaluated: 2022-06-11. Review status: criteria provided, single submitter. Criteria: Invitae Variant Classification Sherloc (09022015). Collection method: clinical testing. Allele origin: germline.
Comment: This variant has not been reported in the literature in individuals affected with ZEB2-related conditions. This variant is not present in population databases (gnomAD no frequency). This sequence change creates a premature translational stop signal (p.Lys492*) in the ZEB2 gene. It is expected to result in an absent or disrupted protein product. Loss-of-function variants in ZEB2 are known to be pathogenic (PMID: 16053902). For these reasons, this variant has been classified as Pathogenic.

Literature cited by the submitters: PubMed 16053902.

NM_014795.4(ZEB2):c.1474A>T (p.Lys492Ter)

Gene: ZEB2 (zinc finger E-box binding homeobox 2; minus strand). Cytogenetic location: 2q22.3.
Variant type: single nucleotide variant.
Coding change: c.1474A>T on transcript NM_014795.4 (MANE Select); coding-DNA position 1474, A replaced by T.
Protein change: p.Lys492Ter; replaces lysine 492 with a stop codon.
Molecular consequence: nonsense.
Genome position (GRCh38, 1-based): chr2:144,399,713, T>A on the plus strand (A>T on the coding strand, the complement: ZEB2 is on the minus strand). VCF-style: chr2-144399713-T-A. GRCh37 (hg19) VCF-style: chr2-145157280-T-A.
Other names: c.1402A>T, p.Lys468Ter (NM_001171653.2); short protein forms K468*, K492*.
Identifiers: ClinVar variation 2004788 (VCV002004788.4), dbSNP rs2549106788, ClinGen allele CA348711305.